The following is an entry in ClinVar:

NM_018975.4(TERF2IP):c.1090C>T (p.Arg364Ter)

Gene: TERF2IP (TERF2 interacting protein; plus strand). Cytogenetic location: 16q23.1.
Variant type: single nucleotide variant.
Coding change: c.1090C>T on transcript NM_018975.4 (MANE Select); coding-DNA position 1090, C replaced by T.
Protein change: p.Arg364Ter; replaces arginine 364 with a stop codon.
Molecular consequence: nonsense. On other transcripts: non-coding transcript variant (1).
Genome position (GRCh38, 1-based): chr16:75,656,501, C>T. VCF-style: chr16-75656501-C-T. GRCh37 (hg19) VCF-style: chr16-75690399-C-T.
Other names: short protein forms R364*.
Identifiers: ClinVar variation 2137847 (VCV002137847.4), dbSNP rs765095939, ClinGen allele CA8178162.

ClinVar aggregate classification (germline): Uncertain significance (1 of 4 stars; one submission).

Allele frequency attached by ClinVar (database versions not stated): gnomAD 0.00001; ExAC 0.00002; gnomAD exomes 0.00002; TOPMed 0.00002.
gnomAD v4.1: 24 of 1,613,708 alleles (0.0015%); highest among the groups gnomAD compares: African/African-American, 0.0027%; no homozygotes.

Submission:

Labcorp Genetics (formerly Invitae), Labcorp
Classification: Uncertain significance. Last evaluated: 2025-01-21. Review status: criteria provided, single submitter. Criteria: Invitae Variant Classification Sherloc (09022015). Collection method: clinical testing. Allele origin: germline.
Comment: This sequence change creates a premature translational stop signal (p.Arg364*) in the TERF2IP gene. While this is not anticipated to result in nonsense mediated decay, it is expected to disrupt the last 36 amino acid(s) of the TERF2IP protein. This variant is present in population databases (rs765095939, gnomAD 0.006%). This premature translational stop signal has been observed in individual(s) with cutaneous malignant melanoma (PMID: 25505254). ClinVar contains an entry for this variant (Variation ID: 2137847). Experimental studies and prediction algorithms are not available or were not evaluated, and the functional significance of this variant is currently unknown. In summary, the available evidence is currently insufficient to determine the role of this variant in disease. Therefore, it has been classified as a Variant of Uncertain Significance.

Literature cited by the submitters: PubMed 25505254.